The following is an entry in ClinVar:

ClinVar aggregate classification (germline): Conflicting classifications of pathogenicity. Review status: criteria provided, conflicting classifications (1 of 4 stars). 6 submissions from 6 submitters: Uncertain significance (5); Likely benign (1). Last evaluated 2025-11-11.

Conditions:
Cardiovascular phenotype. Identifiers: MedGen CN230736.
TTN-related disorder. Also called: TTN-related disorders; TTN-related condition; TTN-related disease.

Submissions (6):

PreventionGenetics, part of Exact Sciences
Classification: Uncertain significance for TTN-related condition. Last evaluated: 2025-11-11. Review status: criteria provided, single submitter. Criteria: ACMG Guidelines, 2015. Collection method: clinical testing. Allele origin: germline.
Comment: The TTN c.103924_103926delCCT variant is predicted to result in an in-frame deletion (p.Pro34642del). This variant has been reported in an individual with dilated cardiomyopathy (Table S3, Mazzarotto et al. 2020. PubMed ID: 31983221). This variant is reported in 0.0018% of alleles in individuals of European (Non-Finnish) descent in gnomAD. At this time, the clinical significance of this variant is uncertain due to the absence of conclusive functional and genetic evidence.

Ambry Genetics
Classification: Uncertain significance for Cardiovascular phenotype. Last evaluated: 2023-11-13. Review status: criteria provided, single submitter. Criteria: Ambry Variant Classification Scheme 2023. Collection method: clinical testing. Allele origin: germline.
Comment: The c.76729_76731delCCT variant (also known as p.P25577del) is located in coding exon 185 of the TTN gene. This variant results from an in-frame CCT deletion at nucleotide positions 76729 to 76731. This results in the in-frame deletion of a proline at codon 25577. This alteration, noted as NM_001267550.1: p.P34642del, has been reported in a dilated cardiomyopathy (DCM) cohort (Mazzarotto F et al. Circulation, 2020 Feb;141:387-398). This amino acid position is highly conserved in available vertebrate species. Since supporting evidence is limited at this time, the clinical significance of this alteration remains unclear.

Blueprint Genetics
Classification: Likely benign. Last evaluated: 2023-04-14. Review status: criteria provided, single submitter. Criteria: ACMG Guidelines, 2015. Collection method: clinical testing. Allele origin: germline.

AiLife Diagnostics
Classification: Uncertain significance. Last evaluated: 2022-01-17. Review status: criteria provided, single submitter. Criteria: ACMG Guidelines, 2015. Collection method: clinical testing. Allele origin: germline. Affected: yes. Observed: 1 variant allele.

Revvity Omics, Revvity
Classification: Uncertain significance. Last evaluated: 2019-03-25. Review status: criteria provided, single submitter. Criteria: ACMG Guidelines, 2015. Collection method: clinical testing. Allele origin: germline.

Athena Diagnostics
Classification: Uncertain significance. Last evaluated: 2017-02-09. Review status: criteria provided, single submitter. Criteria: Athena Diagnostics Criteria. Collection method: clinical testing. Allele origin: germline.

Literature cited by the submitters: PubMed 31983221 (cited by Ambry Genetics and AiLife Diagnostics).

NM_001267550.2(TTN):c.103924_103926del (p.Pro34642del)

Genes: TTN (titin; minus strand), TTN-AS1 (TTN antisense RNA 1; plus strand). Cytogenetic location: 2q31.2.
Variant type: Deletion.
Coding change: c.103924_103926del on transcript NM_001267550.2 (MANE Select); coding-DNA positions 103924 to 103926, 3 bases deleted (CCT; older notation c.103924_103926delCCT).
Protein change: p.Pro34642del; deletes proline 34642.
Molecular consequence: inframe deletion.
Genome position (GRCh38, 1-based): chr2:178,532,689-178,532,691, AGG deleted on the plus strand (CCT on the coding strand, the reverse complement: TTN is on the minus strand); deleting any 3 consecutive bases within chr2:178,532,689-178,532,693 gives the same sequence; the c. name uses the placement nearest the transcript's 3' end. VCF-style (leftmost placement, unchanged base first): chr2-178532688-CAGG-C. GRCh37 (hg19) VCF-style: chr2-179397415-CAGG-C.
Other names: c.103924_103926del (LRG_391t1); c.76729_76731delCCT (NM_003319.4); c.103924_103926delCCT (NM_001267550.2); c.99001_99003del, p.Pro33001del (NM_001256850.1); c.76729_76731del, p.Pro25577del (NM_003319.4); c.96220_96222del, p.Pro32074del (NM_133378.4); c.77104_77106del, p.Pro25702del (NM_133432.3); c.77305_77307del, p.Pro25769del (NM_133437.4); short protein forms P32074del, P34642del, P25577del, P25769del, P33001del, P25702del.
Identifiers: ClinVar variation 332696 (VCV000332696.11), dbSNP rs771366227, ClinGen allele CA1985522.